The following is an entry in ClinVar:

NC_000017.10:g.(?_17135108)_(17135196_?)del

Gene: FLCN (folliculin; minus strand). Cytogenetic location: 17p11.2.
Variant type: Deletion.
Identifiers: ClinVar variation 3242945 (VCV003242945.1).

ClinVar aggregate classification (germline): Uncertain significance (1 of 4 stars; one submission).

Conditions:
Birt-Hogg-Dube syndrome. Also called: Birt Hogg Dubé syndrome. Identifiers: Orphanet 122, MedGen C0346010, MONDO:0800444.

Submission:

Labcorp Genetics (formerly Invitae), Labcorp
Classification: Uncertain significance for Birt-Hogg-Dube syndrome. Last evaluated: 2023-12-05. Review status: criteria provided, single submitter. Criteria: Invitae Variant Classification Sherloc (09022015). Collection method: clinical testing. Allele origin: unknown.
Comment: This variant is a gross deletion that occurs in a non-coding region of the FLCN gene. It does not change the encoded amino acid sequence of the FLCN protein. This variant has not been reported in the literature in individuals affected with FLCN-related conditions. Experimental studies and prediction algorithms are not available or were not evaluated, and the functional significance of this variant is currently unknown. In summary, the available evidence is currently insufficient to determine the role of this variant in disease. Therefore, it has been classified as a Variant of Uncertain Significance.